The following is an entry in ClinVar:

ClinVar aggregate classification (germline): Conflicting classifications of pathogenicity. Review status: criteria provided, conflicting classifications (1 of 4 stars). 2 submissions from 2 submitters: Uncertain significance (1); Likely benign (1). Last evaluated 2025-11-18.

Conditions:
Wilson disease (WND). Also called: Wilson's disease. Identifiers: Orphanet 905, MedGen C0019202, MONDO:0010200, OMIM 277900. Disease mechanism: loss of function.

Submissions (2):

Labcorp Genetics (formerly Invitae), Labcorp
Classification: Likely benign for Wilson disease. Last evaluated: 2025-11-18. Review status: criteria provided, single submitter. Criteria: Invitae Variant Classification Sherloc (09022015). Collection method: clinical testing. Allele origin: germline.

Color Diagnostics, LLC DBA Color Health
Classification: Uncertain significance for Wilson disease. Last evaluated: 2025-09-24. Review status: criteria provided, single submitter. Criteria: ACMG Guidelines, 2015. Collection method: clinical testing. Allele origin: germline.
Comment: This variant causes a C to T nucleotide substitution at the -20 position of intron 15 of the ATP7B gene. To our knowledge, RNA studies have not been reported for this variant. This variant has not been reported in individuals affected with ATP7B-related disorders in the literature. This variant has not been identified in the general population by the Genome Aggregation Database (gnomAD). The available evidence is insufficient to determine the role of this variant in disease conclusively. Therefore, this variant is classified as a Variant of Uncertain Significance.

NM_000053.4(ATP7B):c.3413-20C>T

Gene: ATP7B (ATPase copper transporting beta; minus strand). Cytogenetic location: 13q14.3.
Variant type: single nucleotide variant.
Coding change: c.3413-20C>T on transcript NM_000053.4 (MANE Select); 20 bases into the intron before coding-DNA position 3413, C replaced by T.
Molecular consequence: intron variant.
Genome position (GRCh38, 1-based): chr13:51,941,244, G>A on the plus strand (C>T on the coding strand, the complement: ATP7B is on the minus strand). VCF-style: chr13-51941244-G-A. GRCh37 (hg19) VCF-style: chr13-52515380-G-A.
Other names: c.3080-20C>T (NM_001243182.2); c.2792-20C>T (NM_001005918.3); c.3161-20C>T (NM_001330579.2); c.3179-20C>T (NM_001330578.2).
Identifiers: ClinVar variation 2048923 (VCV002048923.5), dbSNP rs753758073, ClinGen allele CA2091559662.